The following is an entry in ClinVar:

ClinVar aggregate classification (germline): Benign. Review status: criteria provided, multiple submitters, no conflicts (2 of 4 stars). 2 submissions from 2 submitters: Benign (2). Last evaluated 2018-06-14.

Allele frequency attached by ClinVar (database versions not stated): 1000 Genomes Project 0.06370; 1000 Genomes Project 30x 0.06402; TOPMed 0.08047; gnomAD 0.08167 and 0.08246.
gnomAD v4.1: 146,437 of 1,523,980 alleles (9.6%); highest among the groups gnomAD compares: Middle Eastern, 17%; 7,511 homozygotes.

Submissions (2):

GeneDx
Classification: Benign. Last evaluated: 2018-06-14. Review status: criteria provided, single submitter. Criteria: GeneDx Variant Classification (06012015). Collection method: clinical testing. Allele origin: germline. Affected: yes.
Comment: This variant is considered likely benign or benign based on one or more of the following criteria: it is a conservative change, it occurs at a poorly conserved position in the protein, it is predicted to be benign by multiple in silico algorithms, and/or has population frequency not consistent with disease.

Breakthrough Genomics
Classification: Benign. Review status: criteria provided, single submitter. Criteria: ACMG Guidelines, 2015. Collection method: not provided. Allele origin: germline. Inheritance: Autosomal recessive inheritance. Affected: yes.

NM_001077365.2(POMT1):c.856-65G>A

Gene: POMT1 (protein O-mannosyltransferase 1; plus strand). Cytogenetic location: 9q34.13.
Variant type: single nucleotide variant.
Coding change: c.856-65G>A on transcript NM_001077365.2 (MANE Select); 65 bases into the intron before coding-DNA position 856, G replaced by A.
Molecular consequence: intron variant.
Genome position (GRCh38, 1-based): chr9:131,511,272, G>A. VCF-style: chr9-131511272-G-A. GRCh37 (hg19) VCF-style: chr9-134386659-G-A.
Other names: c.760-65G>A (NM_001353198.2, NM_001353197.2); c.922-65G>A (NM_001353193.2, NM_007171.4); c.856-65G>A (NM_001136113.2, NM_001374690.1); c.694-65G>A (NM_001353194.2, NM_001077366.2, NM_001374693.1); c.505-65G>A (NM_001374691.1, NM_001353195.2, NM_001374692.1 and 1 more transcripts); c.766-65G>A (NM_001353196.2); c.466-65G>A (NM_001374695.1); c.839-65G>A (NM_001374689.1); and 2 more.
Identifiers: ClinVar variation 668001 (VCV000668001.2), dbSNP rs34159422, ClinGen allele CA200785645.